The following is an entry in ClinVar:

NM_014875.3(KIF14):c.4353+7T>A

Gene: KIF14 (kinesin family member 14; minus strand). Cytogenetic location: 1q32.1.
Variant type: single nucleotide variant.
Coding change: c.4353+7T>A on transcript NM_014875.3 (MANE Select); 7 bases into the intron after coding-DNA position 4353, T replaced by A.
Molecular consequence: intron variant.
Genome position (GRCh38, 1-based): chr1:200,559,323, A>T on the plus strand (T>A on the coding strand, the complement: KIF14 is on the minus strand). VCF-style: chr1-200559323-A-T. GRCh37 (hg19) VCF-style: chr1-200528451-A-T.
Other names: c.2880+7T>A (NM_001305792.1).
Identifiers: ClinVar variation 1804913 (VCV001804913.1), dbSNP rs1410610212, ClinGen allele CA1139532820.

ClinVar aggregate classification (germline): Uncertain significance (1 of 4 stars; one submission).

Conditions:
Microcephaly 20, primary, autosomal recessive. Identifiers: MedGen C4693572, MONDO:0054761, OMIM 617914.

Submission:

Victorian Clinical Genetics Services, Murdoch Childrens Research Institute
Classification: Uncertain significance for Microcephaly 20, primary, autosomal recessive. Last evaluated: 2020-10-19. Review status: criteria provided, single submitter. Criteria: ACMG Guidelines, 2015. Collection method: clinical testing. Allele origin: germline. Inheritance: Autosomal recessive inheritance.
Comment: Based on the classification scheme VCGS_Germline_v1.3.2, this variant is classified as 3C-VUS. Following criteria are met: 0102 - Loss of function is a known mechanism of disease in this gene and is associated with autosomal recessive primary microcephaly 20 (MIM#617914). (I) 0106 - This gene is associated with autosomal recessive disease. (I) 0212 - Non-canonical splice site variant without proven consequence on splicing (no functional evidence available). (SP) 0252 - This variant is homozygous. (I) 0301 - Variant is absent from gnomAD (both v2 and v3). (SP) 0311 - An alternative nucleotide change at the same non-canonical splice site, is present in gnomAD (v3) at a frequency of 0.00002 (3 heterozygotes, 0 homozygotes). (N) 0506 - Abnormal splicing is not predicted and nucleotide is poorly conserved. (SB) 0705 - No comparable non-canonical splice site variants have previous evidence for pathogenicity in this region. (I) 0807 - This variant has no previous evidence of pathogenicity. (I) 0905 - No published segregation evidence has been identified for this variant. (I) 1007 - No published functional evidence has been identified for this variant. (I) 1207 - Parental origin of the variant is unresolved. (I) Legend: (SP) - Supporting pathogenic, (I) - Information, (SB) - Supporting benign